The following is an entry in ClinVar:

ClinVar aggregate classification (germline): Pathogenic/Likely pathogenic. Review status: criteria provided, multiple submitters, no conflicts (2 of 4 stars). 4 submissions from 4 submitters: Pathogenic (1); Likely pathogenic (2). 1 of the submissions does not count toward it. Last evaluated 2024-03-29.

Conditions:
Arthrogryposis multiplex congenita 6. Identifiers: MedGen C5543431, MONDO:0030281, OMIM 619334.
Nemaline myopathy 2 (NEM2). Also called: Nemaline myopathy 2, autosomal recessive. Identifiers: MedGen C1850569, MONDO:0009725, OMIM 256030.

Allele frequency attached by ClinVar (database versions not stated): gnomAD 0.00001.
gnomAD v4.1: 1 of 1,568,862 alleles (0.000064%); highest among the groups gnomAD compares: African/African-American, 0.0014%; no homozygotes.

Submissions (4):

Labcorp Genetics (formerly Invitae), Labcorp
Classification: Likely pathogenic for Nemaline myopathy 2. Last evaluated: 2024-03-29. Review status: criteria provided, single submitter. Criteria: Invitae Variant Classification Sherloc (09022015). Collection method: clinical testing. Allele origin: germline.
Comment: This sequence change affects a donor splice site in intron 172 of the NEB gene. It is expected to disrupt RNA splicing. Variants that disrupt the donor or acceptor splice site typically lead to a loss of protein function (PMID: 16199547), and loss-of-function variants in NEB are known to be pathogenic (PMID: 25205138). This variant is present in population databases (no rsID available, gnomAD 0.01%). This variant has not been reported in the literature in individuals affected with NEB-related conditions. ClinVar contains an entry for this variant (Variation ID: 551812). Algorithms developed to predict the effect of sequence changes on RNA splicing suggest that this variant may disrupt the consensus splice site. In summary, the currently available evidence indicates that the variant is pathogenic, but additional data are needed to prove that conclusively. Therefore, this variant has been classified as Likely Pathogenic.

Baylor Genetics
Classification: Likely pathogenic for Arthrogryposis multiplex congenita 6. Last evaluated: 2024-03-25. Review status: criteria provided, single submitter. Criteria: ACMG Guidelines, 2015. Collection method: clinical testing. Allele origin: unknown.

Revvity Omics, Revvity
Classification: Pathogenic. Last evaluated: 2020-02-24. Review status: criteria provided, single submitter. Criteria: ACMG Guidelines, 2015. Collection method: clinical testing. Allele origin: germline.

Counsyl
Classification: Likely pathogenic for Nemaline myopathy 2. Last evaluated: 2017-05-09. Review status: no assertion criteria provided. Collection method: clinical testing. Allele origin: unknown. Not counted in ClinVar's aggregate classification.

Literature cited by the submitters: PubMed 16199547 (cited by Labcorp Genetics (formerly Invitae), Labcorp); PubMed 25205138 (cited by Labcorp Genetics (formerly Invitae), Labcorp).

NM_001164508.2(NEB):c.24300+1G>A

Genes: NEB (nebulin; minus strand), RIF1 (replication timing regulatory factor 1; plus strand). Cytogenetic location: 2q23.3.
Variant type: single nucleotide variant.
Coding change: c.24300+1G>A on transcript NM_001164508.2 (MANE Select); the canonical splice donor site of the intron after coding-DNA position 24300, G replaced by A.
Molecular consequence: splice donor variant. On other transcripts: intron variant (1).
Genome position (GRCh38, 1-based): chr2:151,497,625, C>T on the plus strand (G>A on the coding strand, the complement: NEB is on the minus strand). VCF-style: chr2-151497625-C-T. GRCh37 (hg19) VCF-style: chr2-152354139-C-T.
Other names: c.18826-1257G>A (NM_004543.5); c.24300+1G>A (NM_001164507.2); c.24405+1G>A (NM_001271208.2).
Identifiers: ClinVar variation 551812 (VCV000551812.10), dbSNP rs1366853918, ClinGen allele CA348778705.